The following is an entry in ClinVar:

NM_000179.3(MSH6):c.3268_3274del (p.Glu1090fs)

Gene: MSH6 (mutS homolog 6; plus strand). Cytogenetic location: 2p16.3.
Variant type: Deletion.
Coding change: c.3268_3274del on transcript NM_000179.3 (MANE Select); coding-DNA positions 3268 to 3274, 7 bases deleted (GAGCTTA; older notation c.3268_3274delGAGCTTA).
Protein change: p.Glu1090fs; shifts the reading frame from glutamic acid 1090.
Molecular consequence: frameshift variant.
Genome position (GRCh38, 1-based): chr2:47,803,515-47,803,521, GAGCTTA deleted; deleting any 7 consecutive bases within chr2:47,803,511-47,803,521 gives the same sequence; the c. name uses the placement nearest the transcript's 3' end. VCF-style (leftmost placement, unchanged base first): chr2-47803510-TCTTAGAG-T. GRCh37 (hg19) VCF-style: chr2-48030649-TCTTAGAG-T.
Other names: c.3268_3274delGAGCTTA (NM_000179.2); c.2878_2884del, p.Glu960fs (NM_001281492.2); c.2362_2368del, p.Glu788fs (NM_001281493.2, NM_001281494.2); short protein forms E788fs, E960fs.
Identifiers: ClinVar variation 89366 (VCV000089366.23), dbSNP rs587779259, ClinGen allele CA012392.

ClinVar aggregate classification (germline): Pathogenic. Review status: reviewed by expert panel (3 of 4 stars). 10 submissions from 9 submitters: Pathogenic (1). 9 of the submissions do not count toward it. Last evaluated 2013-09-05.

Conditions:
Inherited MMR deficiency (Lynch syndrome).
Mismatch repair cancer syndrome 3. Identifiers: MedGen C5436807, MONDO:0030841, OMIM 619097.
Hereditary nonpolyposis colorectal neoplasms. Identifiers: MedGen C0009405, MeSH D003123.
Hereditary cancer-predisposing syndrome. Also called: Tumor predisposition; Hereditary neoplastic syndrome; Neoplastic Syndromes, Hereditary; Hereditary Cancer Syndrome. Identifiers: Orphanet 140162, MedGen C0027672, MeSH D009386, MONDO:0015356.
Lynch syndrome. Identifiers: Orphanet 144, MedGen C4552100, MONDO:0005835. Disease mechanism: loss of function.
Lynch syndrome 5 (LYNCH5). Also called: Colorectal cancer, hereditary nonpolyposis, type 5; Hereditary non-polyposis colorectal cancer, type 5. Identifiers: Orphanet 144, MedGen C1833477, MONDO:0013710, OMIM 614350. Disease mechanism: loss of function.
Carcinoma of colon (CRC). Also called: Colon carcinoma; Colonic carcinoma. Identifiers: MedGen C0699790, MONDO:0002032.

Submissions (10):

International Society for Gastrointestinal Hereditary Tumours (InSiGHT)
Classification: Pathogenic for Lynch Syndrome. Last evaluated: 2013-09-05. Review status: reviewed by expert panel. Criteria: Guidelines v1.9. Collection method: research. Allele origin: germline.
Comment: Coding sequence variation resulting in a stop codon

Classified with v1.9 guidelines

Genomics and Molecular Medicine Service, East Genomic Laboratory Hub, NHS Genomic Medicine Service
Classification: Pathogenic for Inherited MMR deficiency (Lynch syndrome). Last evaluated: 2026-04-08. Review status: criteria provided, single submitter. Criteria: ACGS Best Practice Guidelines for Variant Classification in Rare Disease 2020. Collection method: clinical testing. Allele origin: germline. Affected: yes. Not counted in ClinVar's aggregate classification.
Comment: PVS1,PS4,PM2_Supporting,PP4_Moderate

Labcorp Genetics (formerly Invitae), Labcorp
Classification: Pathogenic for Hereditary nonpolyposis colorectal neoplasms. Last evaluated: 2025-11-25. Review status: criteria provided, single submitter. Criteria: Invitae Variant Classification Sherloc (09022015). Collection method: clinical testing. Allele origin: germline. Not counted in ClinVar's aggregate classification.
Comment: This sequence change creates a premature translational stop signal (p.Glu1090Lysfs*23) in the MSH6 gene. It is expected to result in an absent or disrupted protein product. Loss-of-function variants in MSH6 are known to be pathogenic (PMID: 18269114, 24362816). This variant is not present in population databases (gnomAD no frequency). This premature translational stop signal has been observed in individual(s) with Lynch syndrome (PMID: 20487569, 21879275, 27601186). This variant is also known as c.3264_3270del. ClinVar contains an entry for this variant (Variation ID: 89366). For these reasons, this variant has been classified as Pathogenic.

Clinical Genetics Laboratory, Skane University Hospital Lund
Classification: Pathogenic. Last evaluated: 2024-03-22. Review status: criteria provided, single submitter. Criteria: ACMG Guidelines, 2015. Collection method: clinical testing. Allele origin: germline. Affected: yes. Not counted in ClinVar's aggregate classification.

Myriad Genetics, Inc.
Classification: Pathogenic for Lynch syndrome 5. Last evaluated: 2023-08-22. Review status: criteria provided, single submitter. Criteria: Myriad Autosomal Dominant, Autosomal Recessive and X-Linked Classification Criteria (2023). Collection method: clinical testing. Allele origin: unknown. Not counted in ClinVar's aggregate classification.
Comment: This variant is considered pathogenic. This variant creates a frameshift predicted to result in premature protein truncation.

Ambry Genetics
Classification: Pathogenic for Hereditary cancer-predisposing syndrome. Last evaluated: 2023-03-06. Review status: criteria provided, single submitter. Criteria: Ambry Variant Classification Scheme 2023. Collection method: clinical testing. Allele origin: germline. Not counted in ClinVar's aggregate classification.
Comment: The c.3268_3274delGAGCTTA pathogenic mutation, located in coding exon 5 of the MSH6 gene, results from a deletion of 7 nucleotides at nucleotide positions 3268 to 3274, causing a translational frameshift with a predicted alternate stop codon (p.E1090Kfs*23). This mutation has been previously reported in a an Australian cohort of individuals/families suspected of having HNPCC/Lynch syndrome based on clinical and/or family history (Talseth-Palmer BA et al. Hered Cancer Clin Pract. 2010 May;8:5). This variant is considered to be rare based on population cohorts in the Genome Aggregation Database (gnomAD). In addition to the clinical data presented in the literature, this alteration is expected to result in loss of function by premature protein truncation or nonsense-mediated mRNA decay. As such, this alteration is interpreted as a disease-causing mutation.

Revvity Omics, Revvity
Classification: Likely pathogenic. Last evaluated: 2023-02-22. Review status: criteria provided, single submitter. Criteria: ACMG Guidelines, 2015. Collection method: clinical testing. Allele origin: germline. Not counted in ClinVar's aggregate classification.

Department of Pathology and Laboratory Medicine, Sinai Health System
Classification: Pathogenic for Mismatch repair cancer syndrome 3. Last evaluated: 2017-04-27. Review status: criteria provided, single submitter. Criteria: ACMG Guidelines, 2015. Collection method: clinical testing. Allele origin: germline. Affected: yes. Not counted in ClinVar's aggregate classification.

GeneDx
Classification: Pathogenic. Last evaluated: 2015-08-28. Review status: criteria provided, single submitter. Criteria: GeneDx Variant Classification (06012015). Collection method: clinical testing. Allele origin: germline. Affected: yes. Not counted in ClinVar's aggregate classification.
Comment: This deletion of 7 nucleotides in MSH6 is denoted c.3268_3274delGAGCTTA at the cDNA level and p.Glu1090LysfsX23 (E1090KfsX23) at the protein level. The normal sequence, with the bases that are deleted in braces, is CTTA[GAGCTTA]AAGG. The deletion causes a frameshift, which changes a Glutamic Acid to a Lysine at codon 1090, and creates a premature stop codon at position 23 of the new reading frame. This variant is predicted to cause loss of normal protein function through either protein truncation or nonsense-mediated mRNA decay. MSH6 c.3268_3274delGAGCTTA, also reported as c.3264_3270del, has been observed in at least one individual with Lynch syndrome (Canard 2012). we consider this variant to be pathogenic.

Department of Pathology and Laboratory Medicine, Sinai Health System
Classification: Pathogenic for Carcinoma of colon. Review status: no assertion criteria provided. Collection method: clinical testing. Allele origin: unknown. Affected: yes. Observed: 1 variant allele. Study: The Canadian Open Genetics Repository (COGR). Not counted in ClinVar's aggregate classification.
Comment: The MSH6 p.Glu1090LysfsX23 variant was identified in 1 of 156 proband chromosomes (frequency: 0.006) from individuals or families with colorectal cancer (Talseth-Palmer 2010). The variant was also identified in dbSNP (ID: rs587779259) as â€šÃ„ÃºWith Pathogenic alleleâ€šÃ„Ã¹, Clinvitae database (classified as pathogenic), InSiGHT Colon Cancer Gene Variant Database (LOVD), ClinVar database (classified as pathogenic by InSight) and UMD (12x with a â€šÃ„Ãºcausalâ€šÃ„Ã¹ classification). The variant was not found in the 1000 Genomes Project, the NHLBI Exome Sequencing Project, the Exome Aggregation Consortium, the genome Aggregation Database (beta), â€šÃ„ÃºMismatch Repair Genes Variant Databaseâ€šÃ„Ã¹, â€šÃ„ÃºMMR Gene Unclassified Variants Databaseâ€šÃ„Ã¹, Zhejiang Colon Cancer Database (LOVD), GeneInsight - COGR database. However, this information is not predictive enough to assume pathogenicity. The c.3268_3274del variant is predicted to cause a frameshift, which alters the protein's amino acid sequence beginning at codon 1090 and leads to a premature stop codon 23 codons downstream. This alteration is then predicted to result in a truncated or absent protein and loss of function. Loss of function variants of the MSH6 gene are an established mechanism of disease in Lynch syndrome and this is the type of variant expected to cause the disorder. In summary, based on the above information, this variant meets our laboratoryâ€šÃ„Ã´s criteria to be classified as pathogenic.

Literature cited by the submitters: PubMed 18269114 (cited by Labcorp Genetics (formerly Invitae), Labcorp); PubMed 24362816 (cited by Labcorp Genetics (formerly Invitae), Labcorp); PubMed 20487569 (cited by 3 submitters); PubMed 21879275 (cited by Labcorp Genetics (formerly Invitae), Labcorp); PubMed 27601186 (cited by Labcorp Genetics (formerly Invitae), Labcorp).